The following is an entry in ClinVar:

NM_001160372.4(TRAPPC9):c.1642C>A (p.Leu548Ile)

Gene: TRAPPC9 (trafficking protein particle complex subunit 9; minus strand). Cytogenetic location: 8q24.3.
Variant type: single nucleotide variant.
Coding change: c.1642C>A on transcript NM_001160372.4 (MANE Select); coding-DNA position 1642, C replaced by A.
Protein change: p.Leu548Ile; replaces leucine 548 with isoleucine.
Molecular consequence: missense variant. On other transcripts: non-coding transcript variant (1).
Genome position (GRCh38, 1-based): chr8:140,300,595, G>T on the plus strand (C>A on the coding strand, the complement: TRAPPC9 is on the minus strand). VCF-style: chr8-140300595-G-T. GRCh37 (hg19) VCF-style: chr8-141310694-G-T.
Other names: c.1615C>A, p.Leu539Ile (NM_001321646.2); c.1663C>A, p.Leu555Ile (NM_001374682.1); c.1642C>A, p.Leu548Ile (NM_001374683.1, NM_031466.8); c.1498C>A, p.Leu500Ile (NM_001374684.1); short protein forms L548I, L500I, L555I, L539I.
Identifiers: ClinVar variation 1782965 (VCV001782965.2), dbSNP rs138819153, ClinGen allele CA4893371.

ClinVar aggregate classification (germline): Uncertain significance (1 of 4 stars; one submission).

Conditions:
Inborn genetic diseases. Identifiers: MedGen C0950123, MeSH D030342.

Allele frequency attached by ClinVar (database versions not stated): TOPMed below 0.00001; gnomAD 0.00003; ExAC 0.00004; 1000 Genomes Project 30x 0.00016; 1000 Genomes Project 0.00020.
gnomAD v4.1: 14 of 1,614,192 alleles (0.00087%); highest among the groups gnomAD compares: African/African-American, 0.008%; no homozygotes.

Submission:

Ambry Genetics
Classification: Uncertain significance for Inborn genetic diseases. Last evaluated: 2017-11-20. Review status: criteria provided, single submitter. Criteria: Ambry Variant Classification Scheme 2023. Collection method: clinical testing. Allele origin: germline.
Comment: The p.L646I variant (also known as c.1936C>A), located in coding exon 11 of the TRAPPC9 gene, results from a C to A substitution at nucleotide position 1936. The leucine at codon 646 is replaced by isoleucine, an amino acid with highly similar properties. This amino acid position is highly conserved in available vertebrate species. In addition, the in silico prediction for this alteration is inconclusive. Since supporting evidence is limited at this time, the clinical significance of this alteration remains unclear.